The following is an entry in ClinVar:

ClinVar aggregate classification (germline): Uncertain significance (1 of 4 stars; one submission).

Conditions:
Charcot-Marie-Tooth disease, type I (CMT1). Also called: Charcot-Marie-Tooth disease type 1; Charcot-Marie-Tooth, Type 1. Identifiers: Orphanet 65753, MedGen C0751036, MONDO:0019011.

Submission:

Labcorp Genetics (formerly Invitae), Labcorp
Classification: Uncertain significance for Charcot-Marie-Tooth disease, type I. Last evaluated: 2025-01-20. Review status: criteria provided, single submitter. Criteria: Invitae Variant Classification Sherloc (09022015). Collection method: clinical testing. Allele origin: germline.
Comment: This sequence change creates a premature translational stop signal (p.Leu156*) in the PMP22 gene. While this is not anticipated to result in nonsense mediated decay, it is expected to disrupt the last 5 amino acid(s) of the PMP22 protein. This variant is not present in population databases (gnomAD no frequency). This variant has not been reported in the literature in individuals affected with PMP22-related conditions. Experimental studies and prediction algorithms are not available or were not evaluated, and the functional significance of this variant is currently unknown. This variant disrupts a region of the PMP22 protein in which other variant(s) (p.*161Argext*10) have been observed in individuals with PMP22-related conditions (internal data). This suggests that this is a clinically significant region of the protein, and that variants that disrupt it are likely to be disease-causing. In summary, the available evidence is currently insufficient to determine the role of this variant in disease. Therefore, it has been classified as a Variant of Uncertain Significance.

NM_000304.4(PMP22):c.467T>A (p.Leu156Ter)

Gene: PMP22 (peripheral myelin protein 22; minus strand). Cytogenetic location: 17p12.
Variant type: single nucleotide variant.
Coding change: c.467T>A on transcript NM_000304.4 (MANE Select); coding-DNA position 467, T replaced by A.
Protein change: p.Leu156Ter; replaces leucine 156 with a stop codon.
Molecular consequence: nonsense. On other transcripts: non-coding transcript variant (2).
Genome position (GRCh38, 1-based): chr17:15,230,933, A>T on the plus strand (T>A on the coding strand, the complement: PMP22 is on the minus strand). VCF-style: chr17-15230933-A-T. GRCh37 (hg19) VCF-style: chr17-15134250-A-T.
Other names: c.467T>A, p.Leu156Ter (NM_001281455.2, NM_001281456.2, NM_153321.3 and 1 more transcripts); short protein forms L156*.
Identifiers: ClinVar variation 3729266 (VCV003729266.2).